The following is an entry in ClinVar:

NM_139137.4(KCNC2):c.914C>A (p.Pro305His)

Gene: KCNC2 (potassium voltage-gated channel subfamily C member 2; minus strand). Cytogenetic location: 12q21.1.
Variant type: single nucleotide variant.
Coding change: c.914C>A on transcript NM_139137.4 (MANE Select); coding-DNA position 914, C replaced by A.
Protein change: p.Pro305His; replaces proline 305 with histidine.
Molecular consequence: missense variant. On other transcripts: non-coding transcript variant (1).
Genome position (GRCh38, 1-based): chr12:75,051,091, G>T on the plus strand (C>A on the coding strand, the complement: KCNC2 is on the minus strand). VCF-style: chr12-75051091-G-T. GRCh37 (hg19) VCF-style: chr12-75444871-G-T.
Other names: c.914C>A, p.Pro305His (NM_001260497.2, NM_001260498.2, NM_001260499.2 and 13 more transcripts); short protein forms P305H.
Identifiers: ClinVar variation 3377239 (VCV003377239.1).

ClinVar aggregate classification (germline): Uncertain significance (1 of 4 stars; one submission).

Conditions:
Developmental and epileptic encephalopathy 103 (DEE103). Identifiers: MedGen C5677002, MONDO:0030957, OMIM 619913.

Submission:

Victorian Clinical Genetics Services, Murdoch Childrens Research Institute
Classification: Uncertain significance for Developmental and epileptic encephalopathy 103. Last evaluated: 2024-10-09. Review status: criteria provided, single submitter. Criteria: ACMG Guidelines, 2015. Collection method: clinical testing. Allele origin: germline. Inheritance: Autosomal dominant inheritance. Affected: yes.
Comment: Based on the classification scheme VCGS_Germline_v1.3.4, this variant is classified as VUS-3A. Following criteria are met: 0103 - Gain of function and loss of function are known mechanisms of disease in this gene and are associated with developmental and epileptic encephalopathy 103 (MIM#619913). Missense variants have been proven to result in mixed effects on the channel function; with a gain of function based on changes in the channel kinetics and a loss of function based on a decrease in the normalized current amplitude. Dominant negative was also demonstrated for a single, milder variant (PMID: 35314505; 32392612; 37360341; 36087422). (I) 0107 - This gene is associated with autosomal dominant disease. (I) 0200 - Variant is predicted to result in a missense amino acid change from proline to histidine. (I) 0251 - This variant is heterozygous. (I) 0301 - Variant is absent from gnomAD (both v2 and v3). (SP) 0309 - An alternative amino acid change at the same position has been observed in gnomAD (v2) (1 heterozygote, 0 homozygotes). (I) 0501 - Missense variant consistently predicted to be damaging by multiple in silico tools or highly conserved with a major amino acid change. (SP) 0600 - Variant is located in the annotated ion transport protein domain (DECIPHER). (I) 0705 - No comparable missense variants have previous evidence for pathogenicity. (I) 0807 - This variant has no previous evidence of pathogenicity. (I) 0905 - No published segregation evidence has been identified for this variant. (I) 1007 - No published functional evidence has been identified for this variant. (SP) Legend: (SP) - Supporting pathogenic, (I) - Information, (SB) - Supporting benign

Literature cited by the submitters: PubMed 32392612; PubMed 35314505; PubMed 36087422; PubMed 37360341.